The following is an entry in ClinVar:

ClinVar aggregate classification (germline): Uncertain significance (1 of 4 stars; one submission).

Conditions:
Mitochondrial DNA depletion syndrome 13. Also called: FBXL4-Related Encephalomyopathic Mitochondrial DNA Depletion Syndrome; Mitochondrial DNA depletion syndrome 13 (encephalomyopathic type). Identifiers: Orphanet 369897, MedGen C3809592, MONDO:0014198, OMIM 615471.

Allele frequency attached by ClinVar (database versions not stated): gnomAD exomes below 0.00001 and 0.00001; ExAC 0.00002.
gnomAD v4.1: 2 of 1,613,224 alleles (0.00012%); highest among the groups gnomAD compares: Non-Finnish European, 0.00017%; no homozygotes.

Submission:

Wong Mito Lab, Molecular and Human Genetics, Baylor College of Medicine
Classification: Uncertain significance for Mitochondrial DNA depletion syndrome 13. Last evaluated: 2017-08-10. Review status: criteria provided, single submitter. Criteria: ACMG Guidelines, 2015. Collection method: reference population. Allele origin: germline.
Comment: The NM_012160.4:c.1778C>G (NP_036292.2:p.Ser593Cys) [GRCH38: NC_000006.12:g.98874366G>C] variant in FBXL4 gene is interpretated to be a Uncertain Significance - Insufficient Evidence based on ACMG guidelines (PMID: 25741868). This variant meets one or more of the following evidence codes reported in the ACMG-guideline. PM2:This variant is absent in key population databases. PP3:Computational evidence/predictors indicate the variant has deleterious effect on FBXL4 structure, function, or protein-protein interaction. Based on this evidence code ClinGen Pathogenicity Calculator (PMID:28081714) suggested that the variant is Uncertain Significance - Insufficient Evidence.

NM_001278716.2(FBXL4):c.1778C>G (p.Ser593Cys)

Gene: FBXL4 (F-box and leucine rich repeat protein 4; minus strand). Cytogenetic location: 6q16.1.
Variant type: single nucleotide variant.
Coding change: c.1778C>G on transcript NM_001278716.2 (MANE Select); coding-DNA position 1778, C replaced by G.
Protein change: p.Ser593Cys; replaces serine 593 with cysteine.
Molecular consequence: missense variant. On other transcripts: non-coding transcript variant (1).
Genome position (GRCh38, 1-based): chr6:98,874,366, G>C on the plus strand (C>G on the coding strand, the complement: FBXL4 is on the minus strand). VCF-style: chr6-98874366-G-C. GRCh37 (hg19) VCF-style: chr6-99322242-G-C.
Other names: c.1778C>G, p.Ser593Cys (NM_012160.5); short protein forms S593C.
Identifiers: ClinVar variation 437814 (VCV000437814.1), dbSNP rs768243264, ClinGen allele CA3933343.
Genomic context (GRCh38, chr6:98,874,366, plus strand): 5'-ACTTTTGGAAAGCTTGCATTCAGTTCTAGCACAGCTCTGTTATCAATCTGCGAACAGAAG[G>C]ACACATCAAGTAAAGAAAGATCTTTACAAGATTCCAGGAGTTTTCTTAAGGATGCCGGAC-3'
Protein context (NP_001265645.1, residues 583-603): SCKDLSLLDV[Ser593Cys]FCSQIDNRAV